The following is an entry in ClinVar:

ClinVar aggregate classification (germline): Uncertain significance (1 of 4 stars; one submission).

Conditions:
Werner syndrome (WRN). Identifiers: Orphanet 902, MedGen C0043119, MONDO:0010196, OMIM 277700.

gnomAD v4.1: 1 of 1,614,002 alleles (0.000062%); highest among the groups gnomAD compares: Middle Eastern, 0.017%; no homozygotes.

Submission:

Labcorp Genetics (formerly Invitae), Labcorp
Classification: Uncertain significance for Werner syndrome. Last evaluated: 2024-04-22. Review status: criteria provided, single submitter. Criteria: Invitae Variant Classification Sherloc (09022015). Collection method: clinical testing. Allele origin: germline.
Comment: This sequence change replaces arginine, which is basic and polar, with serine, which is neutral and polar, at codon 389 of the WRN protein (p.Arg389Ser). This variant is not present in population databases (gnomAD no frequency). This variant has not been reported in the literature in individuals affected with WRN-related conditions. ClinVar contains an entry for this variant (Variation ID: 1715988). An algorithm developed to predict the effect of missense changes on protein structure and function (PolyPhen-2) suggests that this variant is likely to be disruptive. In summary, the available evidence is currently insufficient to determine the role of this variant in disease. Therefore, it has been classified as a Variant of Uncertain Significance.

NM_000553.6(WRN):c.1167A>T (p.Arg389Ser)

Gene: WRN (WRN RecQ like helicase; plus strand). Cytogenetic location: 8p12.
Variant type: single nucleotide variant.
Coding change: c.1167A>T on transcript NM_000553.6 (MANE Select); coding-DNA position 1167, A replaced by T.
Protein change: p.Arg389Ser; replaces arginine 389 with serine.
Molecular consequence: missense variant.
Genome position (GRCh38, 1-based): chr8:31,081,194, A>T. VCF-style: chr8-31081194-A-T. GRCh37 (hg19) VCF-style: chr8-30938710-A-T.
Other names: short protein forms R389S.
Identifiers: ClinVar variation 1715988 (VCV001715988.5), dbSNP rs762026460, ClinGen allele CA370921064.